The following is an entry in ClinVar:

NM_016026.4(RDH11):c.307G>A (p.Asp103Asn)

Genes: GPHN (gephyrin; plus strand), RDH11 (retinol dehydrogenase 11; minus strand). Cytogenetic location: 14q24.1.
Variant type: single nucleotide variant.
Coding change: c.307G>A on transcript NM_016026.4 (MANE Select); coding-DNA position 307, G replaced by A.
Protein change: p.Asp103Asn; replaces aspartic acid 103 with asparagine.
Molecular consequence: missense variant.
Genome position (GRCh38, 1-based): chr14:67,692,480, C>T on the plus strand (G>A on the coding strand, the complement: RDH11 is on the minus strand). VCF-style: chr14-67692480-C-T. GRCh37 (hg19) VCF-style: chr14-68159197-C-T.
Other names: c.307G>A, p.Asp103Asn (NM_001252650.2); short protein forms D103N.
Identifiers: ClinVar variation 2012492 (VCV002012492.4), dbSNP rs2503646644, ClinGen allele CA390136656.

ClinVar aggregate classification (germline): Uncertain significance (1 of 4 stars; one submission).

Submission:

Labcorp Genetics (formerly Invitae), Labcorp
Classification: Uncertain significance. Last evaluated: 2022-11-03. Review status: criteria provided, single submitter. Criteria: Invitae Variant Classification Sherloc (09022015). Collection method: clinical testing. Allele origin: germline.
Comment: Algorithms developed to predict the effect of missense changes on protein structure and function are either unavailable or do not agree on the potential impact of this missense change (SIFT: "Tolerated"; PolyPhen-2: "Probably Damaging"; Align-GVGD: "Class C0"). This variant has not been reported in the literature in individuals affected with RDH11-related conditions. This variant is not present in population databases (gnomAD no frequency). This sequence change replaces aspartic acid, which is acidic and polar, with asparagine, which is neutral and polar, at codon 103 of the RDH11 protein (p.Asp103Asn). In summary, the available evidence is currently insufficient to determine the role of this variant in disease. Therefore, it has been classified as a Variant of Uncertain Significance.